The following is an entry in ClinVar:

ClinVar aggregate classification (germline): Uncertain significance. Review status: criteria provided, multiple submitters, no conflicts (2 of 4 stars). 2 submissions from 2 submitters: Uncertain significance (2). Last evaluated 2025-05-13.

Conditions:
Rhabdoid tumor predisposition syndrome 2 (RTPS2). Identifiers: Orphanet 231108, Orphanet 69077, MedGen C2750074, MONDO:0013224, OMIM 613325.
Hereditary cancer-predisposing syndrome. Also called: Neoplastic Syndromes, Hereditary; Tumor predisposition; Hereditary neoplastic syndrome; Hereditary Cancer Syndrome. Identifiers: Orphanet 140162, MedGen C0027672, MeSH D009386, MONDO:0015356.

Submissions (2):

Labcorp Genetics (formerly Invitae), Labcorp
Classification: Uncertain significance for Rhabdoid tumor predisposition syndrome 2. Last evaluated: 2025-05-13. Review status: criteria provided, single submitter. Criteria: Invitae Variant Classification Sherloc (09022015). Collection method: clinical testing. Allele origin: germline.
Comment: This sequence change replaces arginine, which is basic and polar, with glutamine, which is neutral and polar, at codon 1308 of the SMARCA4 protein (p.Arg1308Gln). This variant is not present in population databases (gnomAD no frequency). This variant has not been reported in the literature in individuals affected with SMARCA4-related conditions. ClinVar contains an entry for this variant (Variation ID: 2452855). Invitae Evidence Modeling of protein sequence and biophysical properties (such as structural, functional, and spatial information, amino acid conservation, physicochemical variation, residue mobility, and thermodynamic stability) indicates that this missense variant is expected to disrupt SMARCA4 protein function with a positive predictive value of 95%. In summary, the available evidence is currently insufficient to determine the role of this variant in disease. Therefore, it has been classified as a Variant of Uncertain Significance.

Ambry Genetics
Classification: Uncertain significance for Hereditary cancer-predisposing syndrome. Last evaluated: 2022-12-19. Review status: criteria provided, single submitter. Criteria: Ambry Variant Classification Scheme 2023. Collection method: clinical testing. Allele origin: germline.
Comment: The p.R1308Q variant (also known as c.3923G>A), located in coding exon 27 of the SMARCA4 gene, results from a G to A substitution at nucleotide position 3923. The arginine at codon 1308 is replaced by glutamine, an amino acid with highly similar properties. This amino acid position is highly conserved in available vertebrate species. In addition, this alteration is predicted to be deleterious by in silico analysis. Since supporting evidence is limited at this time, the clinical significance of this alteration remains unclear.

NM_003072.5(SMARCA4):c.3923G>A (p.Arg1308Gln)

Gene: SMARCA4 (SWI/SNF related BAF chromatin remodeling complex subunit ATPase 4; plus strand). Cytogenetic location: 19p13.2.
Variant type: single nucleotide variant.
Coding change: c.3923G>A on transcript NM_003072.5 (MANE Select); coding-DNA position 3923, G replaced by A.
Protein change: p.Arg1308Gln; replaces arginine 1308 with glutamine.
Molecular consequence: missense variant. On other transcripts: non-coding transcript variant (1).
Genome position (GRCh38, 1-based): chr19:11,034,172, G>A. VCF-style: chr19-11034172-G-A. GRCh37 (hg19) VCF-style: chr19-11144848-G-A.
Other names: c.3923G>A, p.Arg1308Gln (NM_001128844.3, NM_001128849.3, NM_001387283.1); c.3824G>A, p.Arg1275Gln (NM_001128845.2, NM_001128846.2, NM_001128847.4 and 3 more transcripts); short protein forms R1275Q, R1308Q.
Identifiers: ClinVar variation 2452855 (VCV002452855.3), dbSNP rs2146679059, ClinGen allele CA404067895.